The following is an entry in ClinVar:

ClinVar aggregate classification (germline): Benign/Likely benign. Review status: criteria provided, multiple submitters, no conflicts (2 of 4 stars). 7 submissions from 6 submitters: Benign (5); Likely benign (2). Last evaluated 2026-02-04.

Conditions:
Spastic paraplegia. Identifiers: MedGen C0037772, HP:0001258.
Congenital bile acid synthesis defect 3. Identifiers: Orphanet 79302, MedGen C3151147, MONDO:0013439, OMIM 613812.
Hereditary spastic paraplegia 5A (SPG5A). Also called: SPASTIC PARAPLEGIA 5A, AUTOSOMAL RECESSIVE. Identifiers: Orphanet 100986, MedGen C1849115, MONDO:0010047, OMIM 270800.

Allele frequency attached by ClinVar (database versions not stated): 1000 Genomes Project 30x 0.33948; 1000 Genomes Project 0.34445; TOPMed 0.37375; gnomAD 0.39118 and 0.39215; ExAC 0.43523; gnomAD exomes 0.45652.
gnomAD v4.1: 699,807 of 1,505,532 alleles (46%); highest among the groups gnomAD compares: Non-Finnish European, 49%; 169,180 homozygotes.

Submissions (7):

Labcorp Genetics (formerly Invitae), Labcorp
Classification: Benign for Spastic paraplegia. Last evaluated: 2026-02-04. Review status: criteria provided, single submitter. Criteria: Invitae Variant Classification Sherloc (09022015). Collection method: clinical testing. Allele origin: germline.

Mayo Clinic Laboratories, Mayo Clinic
Classification: Benign. Last evaluated: 2022-05-05. Review status: criteria provided, single submitter. Criteria: ACMG Guidelines, 2015. Collection method: clinical testing. Allele origin: germline. Observed: 346 variant alleles.

Genome-Nilou Lab
Classification: Benign for Congenital bile acid synthesis defect 3. Last evaluated: 2021-07-30. Review status: criteria provided, single submitter. Criteria: ACMG Guidelines, 2015. Collection method: clinical testing. Allele origin: germline. Affected: no.

Genome-Nilou Lab
Classification: Benign for Hereditary spastic paraplegia 5A. Last evaluated: 2021-07-30. Review status: criteria provided, single submitter. Criteria: ACMG Guidelines, 2015. Collection method: clinical testing. Allele origin: germline. Affected: no.

Eurofins Ntd Llc (ga)
Classification: Likely benign. Last evaluated: 2016-06-07. Review status: criteria provided, single submitter. Criteria: EGL Classification Definitions 2015. Collection method: clinical testing. Allele origin: germline. Observed: 80 variant alleles, 60 heterozygotes, 20 homozygotes.

GeneDx
Classification: Benign. Last evaluated: 2016-01-21. Review status: criteria provided, single submitter. Criteria: GeneDx Variant Classification (06012015). Collection method: clinical testing. Allele origin: germline. Affected: yes.
Comment: This variant is considered likely benign or benign based on one or more of the following criteria: it is a conservative change, it occurs at a poorly conserved position in the protein, it is predicted to be benign by multiple in silico algorithms, and/or has population frequency not consistent with disease.

Breakthrough Genomics
Classification: Likely benign. Review status: criteria provided, single submitter. Criteria: ACMG Guidelines, 2015. Collection method: not provided. Allele origin: germline. Inheritance: Autosomal recessive inheritance. Affected: yes.

NM_004820.5(CYP7B1):c.122+19A>T

Gene: CYP7B1 (cytochrome P450 family 7 subfamily B member 1; minus strand). Cytogenetic location: 8q12.3.
Variant type: single nucleotide variant.
Coding change: c.122+19A>T on transcript NM_004820.5 (MANE Select); 19 bases into the intron after coding-DNA position 122, A replaced by T.
Molecular consequence: intron variant.
Genome position (GRCh38, 1-based): chr8:64,798,447, T>A on the plus strand (A>T on the coding strand, the complement: CYP7B1 is on the minus strand). VCF-style: chr8-64798447-T-A. GRCh37 (hg19) VCF-style: chr8-65711004-T-A.
Other names: p.?; c.122+19A>T (NM_001324112.2).
Identifiers: ClinVar variation 282111 (VCV000282111.17), dbSNP rs7842714, ClinGen allele CA4764302.